The following is an entry in ClinVar:

ClinVar aggregate classification (germline): Uncertain significance (1 of 4 stars; one submission).

Conditions:
Gastrointestinal stromal tumor. Also called: Gastrointestinal stromal tumor, somatic; Gastrointestinal stroma tumor. Identifiers: Orphanet 44890, MedGen C0238198, MeSH D046152, MONDO:0011719, OMIM 606764, HP:0100723.

Allele frequency attached by ClinVar (database versions not stated): gnomAD exomes below 0.00001.
gnomAD v4.1: 1 of 1,607,836 alleles (0.000062%); highest among the groups gnomAD compares: Non-Finnish European, 0.000085%; no homozygotes.

Submission:

Labcorp Genetics (formerly Invitae), Labcorp
Classification: Uncertain significance for Gastrointestinal stromal tumor. Last evaluated: 2025-09-03. Review status: criteria provided, single submitter. Criteria: Invitae Variant Classification Sherloc (09022015). Collection method: clinical testing. Allele origin: germline.
Comment: This sequence change replaces alanine, which is neutral and non-polar, with glycine, which is neutral and non-polar, at codon 663 of the PDGFRA protein (p.Ala663Gly). This variant is not present in population databases (gnomAD no frequency). This variant has not been reported in the literature in individuals affected with PDGFRA-related conditions. ClinVar contains an entry for this variant (Variation ID: 1927445). Invitae Evidence Modeling of protein sequence and biophysical properties (such as structural, functional, and spatial information, amino acid conservation, physicochemical variation, residue mobility, and thermodynamic stability) has been performed for this missense variant. However, the output from this modeling did not meet the statistical confidence thresholds required to predict the impact of this variant on PDGFRA protein function. In summary, the available evidence is currently insufficient to determine the role of this variant in disease. Therefore, it has been classified as a Variant of Uncertain Significance.

NM_006206.6(PDGFRA):c.1988C>G (p.Ala663Gly)

Gene: PDGFRA (platelet derived growth factor receptor alpha; plus strand). Cytogenetic location: 4q12.
Variant type: single nucleotide variant.
Coding change: c.1988C>G on transcript NM_006206.6 (MANE Select); coding-DNA position 1988, C replaced by G.
Protein change: p.Ala663Gly; replaces alanine 663 with glycine.
Molecular consequence: missense variant.
Genome position (GRCh38, 1-based): chr4:54,277,992, C>G. VCF-style: chr4-54277992-C-G. GRCh37 (hg19) VCF-style: chr4-55144159-C-G.
Other names: c.1988C>G, p.Ala663Gly (NM_001347827.2, NM_001347829.2); c.2063C>G, p.Ala688Gly (NM_001347828.2); c.2027C>G, p.Ala676Gly (NM_001347830.2); short protein forms A663G, A676G, A688G.
Identifiers: ClinVar variation 1927445 (VCV001927445.5), dbSNP rs2110312166, ClinGen allele CA356893773.